The following is an entry in ClinVar:

NM_000368.5(TSC1):c.579A>T (p.Gly193=)

Gene: TSC1 (TSC complex subunit 1; minus strand). Cytogenetic location: 9q34.13.
Variant type: single nucleotide variant.
Coding change: c.579A>T on transcript NM_000368.5 (MANE Select); coding-DNA position 579, A replaced by T.
Protein change: p.Gly193=; no amino-acid change (glycine 193 retained).
Molecular consequence: synonymous variant.
Genome position (GRCh38, 1-based): chr9:132,921,903, T>A on the plus strand (A>T on the coding strand, the complement: TSC1 is on the minus strand). VCF-style: chr9-132921903-T-A. GRCh37 (hg19) VCF-style: chr9-135797290-T-A.
Other names: c.579A>T, p.Gly193= (NM_001162426.2); c.426A>T, p.Gly142= (NM_001162427.2); c.216A>T, p.Gly72= (NM_001362177.2).
Identifiers: ClinVar variation 1016450 (VCV001016450.8), dbSNP rs1846584403, ClinGen allele CA467593803.

ClinVar aggregate classification (germline): Uncertain significance (1 of 4 stars; one submission).

Conditions:
Tuberous sclerosis 1 (TSC1). Identifiers: Orphanet 805, MedGen C1854465, MONDO:0008612, OMIM 191100.

Submission:

Labcorp Genetics (formerly Invitae), Labcorp
Classification: Uncertain significance for Tuberous sclerosis 1. Last evaluated: 2022-06-13. Review status: criteria provided, single submitter. Criteria: Invitae Variant Classification Sherloc (09022015). Collection method: clinical testing. Allele origin: germline.
Comment: This variant is not present in population databases (gnomAD no frequency). This sequence change affects codon 193 of the TSC1 mRNA. It is a 'silent' change, meaning that it does not change the encoded amino acid sequence of the TSC1 protein. This variant has not been reported in the literature in individuals affected with TSC1-related conditions. ClinVar contains an entry for this variant (Variation ID: 1016450). Algorithms developed to predict the effect of sequence changes on RNA splicing suggest that this variant may create or strengthen a splice site. In summary, the available evidence is currently insufficient to determine the role of this variant in disease. Therefore, it has been classified as a Variant of Uncertain Significance.